The following is an entry in ClinVar:

ClinVar aggregate classification (germline): Uncertain significance (1 of 4 stars; one submission).

Conditions:
Mitochondrial short-chain Enoyl-Coa hydratase 1 deficiency. Also called: PxMD-ECHS1; Mitochondrial Short-Chain Enoyl-CoA Hydratase Deficiency; ECHS1 deficiency. Identifiers: Orphanet 255241, Orphanet 653880, MedGen C4225391, MONDO:0014563, OMIM 616277.

Submission:

Laboratorio de Genetica e Diagnostico Molecular, Hospital Israelita Albert Einstein
Classification: Uncertain significance for Mitochondrial short-chain Enoyl-Coa hydratase 1 deficiency. Last evaluated: 2024-02-29. Review status: criteria provided, single submitter. Criteria: ACMG Guidelines, 2015. Collection method: clinical testing. Allele origin: germline. Affected: yes.
Comment: ACMG classification criteria: PM2 supporting

NM_004092.4(ECHS1):c.-4125T>A

Gene: ECHS1 (enoyl-CoA hydratase, short chain 1; minus strand). Cytogenetic location: 10q26.3.
Variant type: single nucleotide variant.
Coding change: c.-4125T>A on transcript NM_004092.4 (MANE Select); 4125 bases upstream of the start codon, T replaced by A.
Genome position (GRCh38, 1-based): chr10:133,377,458, A>T on the plus strand (T>A on the coding strand, the complement: ECHS1 is on the minus strand). VCF-style: chr10-133377458-A-T. GRCh37 (hg19) VCF-style: chr10-135190962-A-T.
Identifiers: ClinVar variation 3901979 (VCV003901979.1).